The following is an entry in ClinVar:

NM_004380.3(CREBBP):c.85+9G>C

Gene: CREBBP (CREB binding lysine acetyltransferase; minus strand). Cytogenetic location: 16p13.3.
Variant type: single nucleotide variant.
Coding change: c.85+9G>C on transcript NM_004380.3 (MANE Select); 9 bases into the intron after coding-DNA position 85, G replaced by C.
Molecular consequence: intron variant.
Genome position (GRCh38, 1-based): chr16:3,879,823, C>G on the plus strand (G>C on the coding strand, the complement: CREBBP is on the minus strand). VCF-style: chr16-3879823-C-G. GRCh37 (hg19) VCF-style: chr16-3929824-C-G.
Other names: c.85+9G>C (NM_001079846.1).
Identifiers: ClinVar variation 4985229 (VCV004985229.1).

ClinVar aggregate classification (germline): Likely benign (1 of 4 stars; one submission).

Conditions:
CREBBP-related disorder. Also called: CREBBP-related disorders; CREBBP-related condition.

gnomAD v4.1: 2 of 1,598,666 alleles (0.00013%); highest among the groups gnomAD compares: South Asian, 0.0011%; no homozygotes.

Submission:

PreventionGenetics, part of Exact Sciences
Classification: Likely benign for CREBBP-related condition. Last evaluated: 2025-04-09. Review status: criteria provided, single submitter. Criteria: ACMG Guidelines, 2015. Collection method: clinical testing. Allele origin: germline.
Comment: This variant is classified as likely benign based on ACMG/AMP sequence variant interpretation guidelines (Richards et al. 2015 PMID: 25741868, with internal and published modifications).